The following is an entry in ClinVar:

ClinVar aggregate classification (germline): Conflicting classifications of pathogenicity. Review status: criteria provided, conflicting classifications (1 of 4 stars). 4 submissions from 4 submitters: Uncertain significance (2); Likely benign (1). 1 of the submissions does not count toward it. Last evaluated 2026-01-19.

Conditions:
FREM2-related disorder. Also called: FREM2-related condition.
Fraser syndrome 2 (FRASRS2). Identifiers: MedGen C4540036, MONDO:0054738, OMIM 617666.

Allele frequency attached by ClinVar (database versions not stated): TOPMed 0.00011; ExAC 0.00013; gnomAD 0.00013; gnomAD exomes 0.00013.
gnomAD v4.1: 273 of 1,590,502 alleles (0.017%); highest among the groups gnomAD compares: Non-Finnish European, 0.023%; no homozygotes.

Submissions (4):

Labcorp Genetics (formerly Invitae), Labcorp
Classification: Likely benign. Last evaluated: 2026-01-19. Review status: criteria provided, single submitter. Criteria: Invitae Variant Classification Sherloc (09022015). Collection method: clinical testing. Allele origin: germline.

Illumina Laboratory Services, Illumina
Classification: Uncertain significance for Fraser syndrome 2. Last evaluated: 2018-01-13. Review status: criteria provided, single submitter. Criteria: ICSL Variant Classification Criteria 13 December 2019. Collection method: clinical testing. Allele origin: germline.

Eurofins Ntd Llc (ga)
Classification: Uncertain significance. Last evaluated: 2015-09-22. Review status: criteria provided, single submitter. Criteria: EGL Classification Definitions 2015. Collection method: clinical testing. Allele origin: germline. Observed: 1 variant allele, 1 heterozygote.

PreventionGenetics, part of Exact Sciences
Classification: Likely benign for FREM2-related condition. Last evaluated: 2023-11-27. Review status: no assertion criteria provided. Collection method: clinical testing. Allele origin: germline. Not counted in ClinVar's aggregate classification.
Comment: This variant is classified as likely benign based on ACMG/AMP sequence variant interpretation guidelines (Richards et al. 2015 PMID: 25741868, with internal and published modifications).

NM_207361.6(FREM2):c.6743-9C>T

Gene: FREM2 (FRAS1 related extracellular matrix 2; plus strand). Cytogenetic location: 13q13.3.
Variant type: single nucleotide variant.
Coding change: c.6743-9C>T on transcript NM_207361.6 (MANE Select); 9 bases into the intron before coding-DNA position 6743, C replaced by T.
Molecular consequence: intron variant.
Genome position (GRCh38, 1-based): chr13:38,851,677, C>T. VCF-style: chr13-38851677-C-T. GRCh37 (hg19) VCF-style: chr13-39425814-C-T.
Identifiers: ClinVar variation 283189 (VCV000283189.20), dbSNP rs749834830, ClinGen allele CA6955673.